The following is an entry in ClinVar:

ClinVar aggregate classification (germline): Pathogenic (1 of 4 stars; one submission).

gnomAD v4.1: 1 of 1,613,886 alleles (0.000062%); highest among the groups gnomAD compares: Non-Finnish European, 0.000085%; no homozygotes.

Submission:

Labcorp Genetics (formerly Invitae), Labcorp
Classification: Pathogenic. Last evaluated: 2026-01-07. Review status: criteria provided, single submitter. Criteria: Invitae Variant Classification Sherloc (09022015). Collection method: clinical testing. Allele origin: germline.
Comment: This sequence change creates a premature translational stop signal (p.Gln1923*) in the SPTA1 gene. It is expected to result in an absent or disrupted protein product. Loss-of-function variants in SPTA1 are known to be pathogenic (PMID: 9192783, 18815189, 31333484, 31723846, 32266426). This variant is not present in population databases (gnomAD no frequency). This variant has not been reported in the literature in individuals affected with SPTA1-related conditions. For these reasons, this variant has been classified as Pathogenic.

Literature cited by the submitters: PubMed 9192783; PubMed 18815189; PubMed 31333484; PubMed 31723846; PubMed 32266426.

NM_003126.4(SPTA1):c.5767C>T (p.Gln1923Ter)

Gene: SPTA1 (spectrin alpha, erythrocytic 1; minus strand). Cytogenetic location: 1q23.1.
Variant type: single nucleotide variant.
Coding change: c.5767C>T on transcript NM_003126.4 (MANE Select); coding-DNA position 5767, C replaced by T.
Protein change: p.Gln1923Ter; replaces glutamine 1923 with a stop codon.
Molecular consequence: nonsense.
Genome position (GRCh38, 1-based): chr1:158,626,905, G>A on the plus strand (C>T on the coding strand, the complement: SPTA1 is on the minus strand). VCF-style: chr1-158626905-G-A. GRCh37 (hg19) VCF-style: chr1-158596695-G-A.
Other names: short protein forms Q1923*.
Identifiers: ClinVar variation 4729237 (VCV004729237.1).
Genomic context (GRCh38, chr1:158,626,905, plus strand): 5'-AAGCCTCTACCACATCAGCCTTCCAGTTGAATTCCTGAAAGGCATAATCGTCTTCCAATT[G>A]CAACTTCCAAGCAGCTATTGCCTTAGCCAGAGAAGGGGTCTTTTCATTCAGAGCCTCTAT-3'